The following is an entry in ClinVar:

NM_032119.4(ADGRV1):c.4079G>C (p.Trp1360Ser)

Gene: ADGRV1 (adhesion G protein-coupled receptor V1; plus strand). Cytogenetic location: 5q14.3.
Variant type: single nucleotide variant.
Coding change: c.4079G>C on transcript NM_032119.4 (MANE Select); coding-DNA position 4079, G replaced by C.
Protein change: p.Trp1360Ser; replaces tryptophan 1360 with serine.
Molecular consequence: missense variant. On other transcripts: non-coding transcript variant (1).
Genome position (GRCh38, 1-based): chr5:90,653,653, G>C. VCF-style: chr5-90653653-G-C. GRCh37 (hg19) VCF-style: chr5-89949470-G-C.
Other names: short protein forms W1360S.
Identifiers: ClinVar variation 2044110 (VCV002044110.4), dbSNP rs375916787, ClinGen allele CA121839867.

ClinVar aggregate classification (germline): Uncertain significance. Review status: criteria provided, multiple submitters, no conflicts (2 of 4 stars). 2 submissions from 2 submitters: Uncertain significance (2). Last evaluated 2024-11-11.

Allele frequency attached by ClinVar (database versions not stated): gnomAD exomes below 0.00001; gnomAD 0.00001; TOPMed 0.00001; ESP Exome Variant Server 0.00008.
gnomAD v4.1: 3 of 1,613,192 alleles (0.00019%); highest among the groups gnomAD compares: African/African-American, 0.0013%; no homozygotes.

Submissions (2):

Labcorp Genetics (formerly Invitae), Labcorp
Classification: Uncertain significance. Last evaluated: 2024-11-11. Review status: criteria provided, single submitter. Criteria: Invitae Variant Classification Sherloc (09022015). Collection method: clinical testing. Allele origin: germline.
Comment: This sequence change replaces tryptophan, which is neutral and slightly polar, with serine, which is neutral and polar, at codon 1360 of the ADGRV1 protein (p.Trp1360Ser). This variant is not present in population databases (gnomAD no frequency). This variant has not been reported in the literature in individuals affected with ADGRV1-related conditions. ClinVar contains an entry for this variant (Variation ID: 2044110). Invitae Evidence Modeling of protein sequence and biophysical properties (such as structural, functional, and spatial information, amino acid conservation, physicochemical variation, residue mobility, and thermodynamic stability) indicates that this missense variant is not expected to disrupt ADGRV1 protein function with a negative predictive value of 95%. In summary, the available evidence is currently insufficient to determine the role of this variant in disease. Therefore, it has been classified as a Variant of Uncertain Significance.

Blueprint Genetics
Classification: Uncertain significance. Last evaluated: 2021-12-21. Review status: criteria provided, single submitter. Criteria: ACMG Guidelines, 2015. Collection method: clinical testing. Allele origin: germline.